The following is an entry in ClinVar:

ClinVar aggregate classification (germline): Likely benign. Review status: criteria provided, multiple submitters, no conflicts (2 of 4 stars). 2 submissions from 2 submitters: Likely benign (2). Last evaluated 2024-01-25.

Conditions:
Hypertrophic cardiomyopathy. Also called: HYPERTROPHIC MYOCARDIOPATHY. Identifiers: Orphanet 217569, MedGen C0007194, MeSH D002312, MONDO:0005045, HP:0001639.
Hypertrophic cardiomyopathy 10. Also called: CARDIOMYOPATHY, HYPERTROPHIC, MID-LEFT VENTRICULAR CHAMBER TYPE, 2; MYL2-Related Familial Hypertrophic Cardiomyopathy. Identifiers: MedGen C1834460, MONDO:0012112, OMIM 608758.

gnomAD v4.1: 5 of 1,614,074 alleles (0.00031%); highest among the groups gnomAD compares: Non-Finnish European, 0.00034%; no homozygotes.

Submissions (2):

Labcorp Genetics (formerly Invitae), Labcorp
Classification: Likely benign for Hypertrophic cardiomyopathy 10. Last evaluated: 2024-01-25. Review status: criteria provided, single submitter. Criteria: Invitae Variant Classification Sherloc (09022015). Collection method: clinical testing. Allele origin: germline.

All of Us Research Program, National Institutes of Health
Classification: Likely benign for Hypertrophic cardiomyopathy. Last evaluated: 2023-04-28. Review status: criteria provided, single submitter. Criteria: ACMG Guidelines, 2015. Collection method: clinical testing. Allele origin: germline. Inheritance: Autosomal dominant inheritance. Observed: 1 variant allele, 1 heterozygote.
Comment: This study involves interpretation of variants in research participants for the purpose of population health screening. Participant phenotype was not available at the time of variant classification. Additional details can be found in publication PMID: 35346344, PMCID: PMC8962531

NM_000432.4(MYL2):c.222G>T (p.Pro74=)

Gene: MYL2 (myosin light chain 2; minus strand). Cytogenetic location: 12q24.11.
Variant type: single nucleotide variant.
Coding change: c.222G>T on transcript NM_000432.4 (MANE Select); coding-DNA position 222, G replaced by T.
Protein change: p.Pro74=; no amino-acid change (proline 74 retained).
Molecular consequence: synonymous variant.
Genome position (GRCh38, 1-based): chr12:110,914,238, C>A on the plus strand (G>T on the coding strand, the complement: MYL2 is on the minus strand). VCF-style: chr12-110914238-C-A. GRCh37 (hg19) VCF-style: chr12-111352042-C-A.
Other names: c.180G>T, p.Pro60= (NM_001406745.1, NM_001406746.1); c.165G>T, p.Pro55= (NM_001406916.1).
Identifiers: ClinVar variation 2990885 (VCV002990885.4), dbSNP rs372644111, ClinGen allele CA481751018.
Genomic context (GRCh38, chr12:110,914,238, plus strand): 5'-GACCTTACCCTTAAGTTTCTCCCCAAACATTGTGAGGAACACAGTAAAGTTAATTGGACC[C>A]GGAGCCTCCTTGATCATTTCATCAATTTCTTCATTTTTCACGTTCACTCGCCCTAGGGTA-3'
Protein context (NP_000423.2, residues 64-84): EEIDEMIKEA[Pro74=]GPINFTVFLT